The following is an entry in ClinVar:

ClinVar aggregate classification (germline): Conflicting classifications of pathogenicity. Review status: criteria provided, conflicting classifications (1 of 4 stars). 6 submissions from 6 submitters: Uncertain significance (1); Likely benign (3). 2 of the submissions do not count toward it. Last evaluated 2025-11-05.

Conditions:
MYO5A-related disorder. Also called: MYO5A-related condition.
Intellectual disability. Also called: Intellectual functioning disability; Intellectual developmental disorder; intellectual disabilities. Identifiers: MedGen C3714756, MeSH D008607, MONDO:0001071, HP:0001249.
Inborn genetic diseases. Identifiers: MedGen C0950123, MeSH D030342.

Allele frequency attached by ClinVar (database versions not stated): 1000 Genomes Project 30x 0.00016; 1000 Genomes Project 0.00020; gnomAD exomes 0.00046 and 0.00076; gnomAD 0.00058 and 0.00059; TOPMed 0.00060; ExAC 0.00067; ESP Exome Variant Server 0.00076.
gnomAD v4.1: 800 of 1,613,990 alleles (0.05%); highest among the groups gnomAD compares: Middle Eastern, 0.083%; 2 homozygotes.

Submissions (6):

Labcorp Genetics (formerly Invitae), Labcorp
Classification: Likely benign. Last evaluated: 2025-11-05. Review status: criteria provided, single submitter. Criteria: Invitae Variant Classification Sherloc (09022015). Collection method: clinical testing. Allele origin: germline.

Blueprint Genetics
Classification: Likely benign. Last evaluated: 2024-10-23. Review status: criteria provided, single submitter. Criteria: ACMG Guidelines, 2015. Collection method: clinical testing. Allele origin: germline.

Ambry Genetics
Classification: Likely benign for Inborn genetic diseases. Last evaluated: 2022-03-23. Review status: criteria provided, single submitter. Criteria: Ambry Variant Classification Scheme 2023. Collection method: clinical testing. Allele origin: germline.

CeGaT Center for Human Genetics Tuebingen
Classification: Uncertain significance. Last evaluated: 2016-09-01. Review status: criteria provided, single submitter. Criteria: CeGaT Center For Human Genetics Tuebingen Variant Classification Criteria Version 2. Collection method: clinical testing. Allele origin: germline. Affected: yes. Observed: 1 variant allele.

PreventionGenetics, part of Exact Sciences
Classification: Likely benign for MYO5A-related condition. Last evaluated: 2019-12-17. Review status: no assertion criteria provided. Collection method: clinical testing. Allele origin: germline. Not counted in ClinVar's aggregate classification.
Comment: This variant is classified as likely benign based on ACMG/AMP sequence variant interpretation guidelines (Richards et al. 2015 PMID: 25741868, with internal and published modifications).

Centre de Biologie Pathologie Génétique, Centre Hospitalier Universitaire de Lille
Classification: Likely benign for Intellectual disability. Last evaluated: 2019-01-01. Review status: no assertion criteria provided. Collection method: clinical testing. Allele origin: inherited. Affected: yes. Not counted in ClinVar's aggregate classification.

NM_001382347.1(MYO5A):c.4432C>T (p.Pro1478Ser)

Gene: MYO5A (myosin VA; minus strand). Cytogenetic location: 15q21.2.
Variant type: single nucleotide variant.
Coding change: c.4432C>T on transcript NM_001382347.1 (MANE Select); coding-DNA position 4432, C replaced by T.
Protein change: p.Pro1478Ser; replaces proline 1478 with serine.
Molecular consequence: missense variant.
Genome position (GRCh38, 1-based): chr15:52,330,476, G>A on the plus strand (C>T on the coding strand, the complement: MYO5A is on the minus strand). VCF-style: chr15-52330476-G-A. GRCh37 (hg19) VCF-style: chr15-52622673-G-A.
Other names: c.4357C>T, p.Pro1453Ser (NM_000259.3); c.4276C>T, p.Pro1426Ser (NM_001142495.2); c.4504C>T, p.Pro1502Ser (NM_001382348.1); c.4429C>T, p.Pro1477Ser (NM_001382349.1); short protein forms P1426S, P1453S, P1477S, P1478S, P1502S.
Identifiers: ClinVar variation 733436 (VCV000733436.54), dbSNP rs147898420, ClinGen allele CA7568111.
Genomic context (GRCh38, chr15:52,330,476, plus strand): 5'-AATCCTTTTCTTTCCTGGGAATGTTGACTGGTCGGATGGGTTCATCAATGATCTGTCCTG[G>A]GGATATGTTCTCCATCTGGCCCACTTTATGAGAAGTAAGAAAGGAGGAGAAAATGTTTTC-3'
Protein context (NP_001369276.1, residues 1468-1488): LEVGQMENIS[Pro1478Ser]GQIIDEPIRP